The following is an entry in ClinVar:

NM_000313.4(PROS1):c.794G>C (p.Cys265Ser)

Gene: PROS1 (protein S; minus strand). Cytogenetic location: 3q11.1.
Variant type: single nucleotide variant.
Coding change: c.794G>C on transcript NM_000313.4 (MANE Select); coding-DNA position 794, G replaced by C.
Protein change: p.Cys265Ser; replaces cysteine 265 with serine.
Molecular consequence: missense variant.
Genome position (GRCh38, 1-based): chr3:93,898,503, C>G on the plus strand (G>C on the coding strand, the complement: PROS1 is on the minus strand). VCF-style: chr3-93898503-C-G. GRCh37 (hg19) VCF-style: chr3-93617347-C-G.
Other names: c.890G>C, p.Cys297Ser (NM_001314077.2); short protein forms C265S, C297S.
Identifiers: ClinVar variation 4744854 (VCV004744854.1).

ClinVar aggregate classification (germline): Uncertain significance (1 of 4 stars; one submission).

Conditions:
Thrombophilia due to protein S deficiency, autosomal recessive (THPH6). Identifiers: Orphanet 743, MedGen C3281092, MONDO:0013791, OMIM 614514. Disease mechanism: loss of function.

Submission:

Labcorp Genetics (formerly Invitae), Labcorp
Classification: Uncertain significance for Thrombophilia due to protein S deficiency, autosomal recessive. Last evaluated: 2025-03-15. Review status: criteria provided, single submitter. Criteria: Invitae Variant Classification Sherloc (09022015). Collection method: clinical testing. Allele origin: germline.
Comment: This sequence change replaces cysteine, which is neutral and slightly polar, with serine, which is neutral and polar, at codon 265 of the PROS1 protein (p.Cys265Ser). This variant is not present in population databases (gnomAD no frequency). This variant has not been reported in the literature in individuals affected with PROS1-related conditions. Invitae Evidence Modeling of protein sequence and biophysical properties (such as structural, functional, and spatial information, amino acid conservation, physicochemical variation, residue mobility, and thermodynamic stability) indicates that this missense variant is expected to disrupt PROS1 protein function with a positive predictive value of 80%. This variant disrupts the p.Cys265 amino acid residue in PROS1. Other variant(s) that disrupt this residue have been observed in individuals with PROS1-related conditions (PMID: 7803790), which suggests that this may be a clinically significant amino acid residue. In summary, the available evidence is currently insufficient to determine the role of this variant in disease. Therefore, it has been classified as a Variant of Uncertain Significance.

Literature cited by the submitters: PubMed 7803790.